The following is an entry in ClinVar:

ClinVar aggregate classification (germline): Uncertain significance (1 of 4 stars; one submission).

Conditions:
Familial hypobetalipoproteinemia 1. Also called: APOB-Related Familial Hypobetalipoproteinemia; Hypobetalipoproteinemia, normotriglyceridemic; Acanthocytosis with hypobetalipoproteinemia. Identifiers: MedGen C4551990, MONDO:0014252, OMIM 615558.
Hypercholesterolemia, autosomal dominant, type B (FHCL2). Also called: Familial Hypercholesterolemia Type B; APOLIPOPROTEIN B-100, FAMILIAL DEFECTIVE; APOLIPOPROTEIN B-100, FAMILIAL LIGAND-DEFECTIVE; HYPERCHOLESTEROLEMIA, FAMILIAL, DUE TO LIGAND-DEFECTIVE APOLIPOPROTEIN B; Familial hypercholesterolemia 2; Hyperlipoproteinemia Type IIb. Identifiers: MedGen C1704417, MONDO:0007751, OMIM 144010.

Submission:

Labcorp Genetics (formerly Invitae), Labcorp
Classification: Uncertain significance for Familial hypobetalipoproteinemia 1; Hypercholesterolemia, autosomal dominant, type B. Last evaluated: 2022-07-19. Review status: criteria provided, single submitter. Criteria: Invitae Variant Classification Sherloc (09022015). Collection method: clinical testing. Allele origin: germline.
Comment: Algorithms developed to predict the effect of missense changes on protein structure and function (SIFT, PolyPhen-2, Align-GVGD) all suggest that this variant is likely to be tolerated. ClinVar contains an entry for this variant (Variation ID: 1505898). This variant has not been reported in the literature in individuals affected with APOB-related conditions. This variant is not present in population databases (gnomAD no frequency). This sequence change replaces aspartic acid, which is acidic and polar, with glutamic acid, which is acidic and polar, at codon 3993 of the APOB protein (p.Asp3993Glu). In summary, the available evidence is currently insufficient to determine the role of this variant in disease. Therefore, it has been classified as a Variant of Uncertain Significance.

NM_000384.3(APOB):c.11979C>A (p.Asp3993Glu)

Gene: APOB (apolipoprotein B; minus strand). Cytogenetic location: 2p24.1.
Variant type: single nucleotide variant.
Coding change: c.11979C>A on transcript NM_000384.3 (MANE Select); coding-DNA position 11979, C replaced by A.
Protein change: p.Asp3993Glu; replaces aspartic acid 3993 with glutamic acid.
Molecular consequence: missense variant.
Genome position (GRCh38, 1-based): chr2:21,004,377, G>T on the plus strand (C>A on the coding strand, the complement: APOB is on the minus strand). VCF-style: chr2-21004377-G-T. GRCh37 (hg19) VCF-style: chr2-21227249-G-T.
Other names: short protein forms D3993E.
Identifiers: ClinVar variation 1505898 (VCV001505898.8), dbSNP rs987214032, ClinGen allele CA43490521.